The following is an entry in ClinVar:

ClinVar aggregate classification (germline): Conflicting classifications of pathogenicity. Review status: criteria provided, conflicting classifications (1 of 4 stars). 2 submissions from 2 submitters: Uncertain significance (1); Likely benign (1). Last evaluated 2025-12-29.

Conditions:
Familial adenomatous polyposis 1 (FAP1). Also called: FAMILIAL ADENOMATOUS POLYPOSIS 1, ATTENUATED; POLYPOSIS, ADENOMATOUS INTESTINAL. Identifiers: MedGen C2713442, MONDO:0021056, OMIM 175100. Disease mechanism: loss of function.

Submissions (2):

Center for Genomic Medicine, Rigshospitalet, Copenhagen University Hospital
Classification: Likely benign. Last evaluated: 2025-12-29. Review status: criteria provided, single submitter. Criteria: ACMG Guidelines, 2015. Collection method: clinical testing. Allele origin: germline.

Labcorp Genetics (formerly Invitae), Labcorp
Classification: Uncertain significance for Familial adenomatous polyposis 1. Last evaluated: 2024-11-30. Review status: criteria provided, single submitter. Criteria: Invitae Variant Classification Sherloc (09022015). Collection method: clinical testing. Allele origin: germline.
Comment: This variant occurs in a non-coding region of the APC gene. It does not change the encoded amino acid sequence of the APC protein. This variant is not present in population databases (gnomAD no frequency). This variant has not been reported in the literature in individuals affected with APC-related conditions. Experimental studies and prediction algorithms are not available or were not evaluated, and the functional significance of this variant is currently unknown. In summary, the available evidence is currently insufficient to determine the role of this variant in disease. Therefore, it has been classified as a Variant of Uncertain Significance.

NC_000005.10:g.112707497C>T

Genes: APC (APC regulator of Wnt signaling pathway; plus strand), LOC129994371 (ATAC-STARR-seq lymphoblastoid active region 22910; plus strand). Cytogenetic location: 5q22.2.
Variant type: single nucleotide variant.
Genome position: GRCh38 VCF-style: chr5-112707497-C-T. GRCh37 (hg19) VCF-style: chr5-112043194-C-T.
Other names: c.-221C>T (NM_001354897.2).
Identifiers: ClinVar variation 2187535 (VCV002187535.4), dbSNP rs2149629086, ClinGen allele CA2580072262.